The following is an entry in ClinVar:

ClinVar aggregate classification (germline): Uncertain significance. Review status: criteria provided, multiple submitters, no conflicts (2 of 4 stars). 3 submissions from 3 submitters: Uncertain significance (3). Last evaluated 2025-07-11.

Conditions:
Hereditary pheochromocytoma and paraganglioma. Also called: Hereditary paragangliomas and pheochromocytomas; Hereditary Paraganglioma-Pheochromocytoma Syndromes; Hereditary pheochromocytoma-paraganglioma. Identifiers: Orphanet 29072, MedGen C4274332, MONDO:0017366.
Hereditary cancer-predisposing syndrome. Also called: Tumor predisposition; Hereditary Cancer Syndrome; Hereditary neoplastic syndrome; Neoplastic Syndromes, Hereditary. Identifiers: Orphanet 140162, MedGen C0027672, MeSH D009386, MONDO:0015356.

Allele frequency attached by ClinVar (database versions not stated): TOPMed 0.00001.

Submissions (3):

Ambry Genetics
Classification: Uncertain significance for Hereditary cancer-predisposing syndrome. Last evaluated: 2025-07-11. Review status: criteria provided, single submitter. Criteria: Ambry Variant Classification Scheme 2023. Collection method: clinical testing. Allele origin: germline.
Comment: The p.E225D variant (also known as c.675G>C), located in coding exon 3 of the TMEM127 gene, results from a G to C substitution at nucleotide position 675. The glutamic acid at codon 225 is replaced by aspartic acid, an amino acid with highly similar properties. This amino acid position is well conserved in available vertebrate species. In addition, this alteration is predicted to be tolerated by in silico analysis. Based on the available evidence, the clinical significance of this variant remains unclear.

GeneDx
Classification: Uncertain significance. Last evaluated: 2022-05-02. Review status: criteria provided, single submitter. Criteria: GeneDx Variant Classification Process June 2021. Collection method: clinical testing. Allele origin: germline. Affected: yes.
Comment: Not observed at significant frequency in large population cohorts (gnomAD); In silico analysis supports that this missense variant does not alter protein structure/function; Has not been previously published as pathogenic or benign to our knowledge

Labcorp Genetics (formerly Invitae), Labcorp
Classification: Uncertain significance for Hereditary pheochromocytoma and paraganglioma. Last evaluated: 2021-10-27. Review status: criteria provided, single submitter. Criteria: Invitae Variant Classification Sherloc (09022015). Collection method: clinical testing. Allele origin: germline.
Comment: This variant has not been reported in the literature in individuals affected with TMEM127-related conditions. In summary, the available evidence is currently insufficient to determine the role of this variant in disease. Therefore, it has been classified as a Variant of Uncertain Significance. Algorithms developed to predict the effect of missense changes on protein structure and function (SIFT, PolyPhen-2, Align-GVGD) all suggest that this variant is likely to be tolerated. This variant is not present in population databases (gnomAD no frequency). This sequence change replaces glutamic acid, a(n) acidic and polar amino acid, with aspartic acid, a(n) acidic and polar amino acid, at codon 225 of the TMEM127 protein (p.Glu225Asp).

NM_017849.4(TMEM127):c.675G>C (p.Glu225Asp)

Gene: TMEM127 (transmembrane protein 127; minus strand). Cytogenetic location: 2q11.2.
Variant type: single nucleotide variant.
Coding change: c.675G>C on transcript NM_017849.4 (MANE Select); coding-DNA position 675, G replaced by C.
Protein change: p.Glu225Asp; replaces glutamic acid 225 with aspartic acid.
Molecular consequence: missense variant.
Genome position (GRCh38, 1-based): chr2:96,253,850, C>G on the plus strand (G>C on the coding strand, the complement: TMEM127 is on the minus strand). VCF-style: chr2-96253850-C-G. GRCh37 (hg19) VCF-style: chr2-96919588-C-G.
Other names: c.675G>C, p.Glu225Asp (NM_001193304.3); short protein forms E225D.
Identifiers: ClinVar variation 1502502 (VCV001502502.11), dbSNP rs779189359, ClinGen allele CA347651266.
Genomic context (GRCh38, chr2:96,253,850, plus strand): 5'-GAGAGCCCAGGGCTGGCATTAGGGTGTGTAAGCAGGGGGTGGCTGGAACTGGTTGATGAC[C>G]TCATATTCCGCCGGGTAGGGCTCGTTCTCTTCCATCTCTGAGAGCAGCTCCAGCGCCTGC-3'
Protein context (NP_060319.1, residues 215-235): EENEPYPAEY[Glu225Asp]VINQFQPPPA